The following is an entry in ClinVar:

NM_000375.3(UROS):c.660+4del

Gene: UROS (uroporphyrinogen III synthase; minus strand). Cytogenetic location: 10q26.2.
Variant type: Deletion.
Coding change: c.660+4del on transcript NM_000375.3 (MANE Select); 4 bases into the intron after coding-DNA position 660, one base deleted (A; older notation c.660+4delA).
Molecular consequence: intron variant.
Genome position (GRCh38, 1-based): chr10:125,794,876, T deleted on the plus strand (A on the coding strand, the reverse complement: UROS is on the minus strand); the first of 2 consecutive T bases (chr10:125,794,876-125,794,877); deleting either gives the same sequence. VCF-style (leftmost placement, unchanged base first): chr10-125794875-CT-C. GRCh37 (hg19) VCF-style: chr10-127483444-CT-C.
Other names: c.579+4del (NM_001324038.2, NM_001324037.2); c.660+4del (NM_001324036.2); c.660+4delA (NM_000375.2).
Identifiers: ClinVar variation 2664905 (VCV002664905.2), dbSNP rs754999953, ClinGen allele CA5738362.

ClinVar aggregate classification (germline): Uncertain significance. Review status: criteria provided, multiple submitters, no conflicts (2 of 4 stars). 2 submissions from 2 submitters: Uncertain significance (2). Last evaluated 2025-05-20.

Conditions:
Congenital erythropoietic porphyria. Also called: Congenital porphyria; Günther disease; Uroporphyrinogen III synthase, deficiency of; UROPORPHYRINOGEN III SYNTHASE DEFICIENCY; GUNTHER DISEASE; UROS DEFICIENCY. Identifiers: Orphanet 79277, MedGen C5886774, MONDO:0009902, OMIM 263700.
UROS-related disorder. Also called: UROS-related condition.

Submissions (2):

PreventionGenetics, part of Exact Sciences
Classification: Uncertain significance for UROS-related condition. Last evaluated: 2025-05-20. Review status: criteria provided, single submitter. Criteria: ACMG Guidelines, 2015. Collection method: clinical testing. Allele origin: germline.
Comment: The UROS c.660+4delA variant is predicted to result in an intronic deletion. This variant has been reported to be causative for congenital erythropoietic porphyria (Weiss et al. 2018. PubMed ID: 30454868). This variant is reported in 0.020% of alleles in individuals of South Asian descent in gnomAD. This variant is predicted to alter splicing based on available splicing prediction programs (SpliceAI, Jaganathan et al. 2019. PubMed ID: 30661751). However, the use of computer prediction programs is not equivalent to functional evidence. Although we suspect that this variant may be pathogenic, at this time, the clinical significance of this variant is uncertain due to the absence of conclusive functional and genetic evidence.

Neuberg Centre For Genomic Medicine, NCGM
Classification: Uncertain significance for Congenital erythropoietic porphyria. Last evaluated: 2023-02-14. Review status: criteria provided, single submitter. Criteria: ACMG Guidelines, 2015. Collection method: clinical testing. Allele origin: germline. Inheritance: Autosomal recessive inheritance. Affected: yes.
Comment: The splice region c.660+4del variant in UROS gene has been reported in homozygous state in an individual affected with Porphyria (Weiss Y, et. al., 2019). The c.660+4del variant has been reported with allele frequency of 0.002% in gnomAD and is novel (not in any individuals) in 1000 Genomes. This variant has not been reported to the ClinVar database. Splice AI predicts this variant to cause splice donor loss (0.31). Additional functional studies will be required to prove the pathogenicity of this variant. For these reasons, this variant has been classified as a Variant of Uncertain Significance (VUS).